The following is an entry in ClinVar:

NM_001365999.1(SZT2):c.642G>C (p.Gln214His)

Gene: SZT2 (SZT2 subunit of KICSTOR complex; plus strand). Cytogenetic location: 1p34.2.
Variant type: single nucleotide variant.
Coding change: c.642G>C on transcript NM_001365999.1 (MANE Select); coding-DNA position 642, G replaced by C.
Protein change: p.Gln214His; replaces glutamine 214 with histidine.
Molecular consequence: missense variant.
Genome position (GRCh38, 1-based): chr1:43,415,971, G>C. VCF-style: chr1-43415971-G-C. GRCh37 (hg19) VCF-style: chr1-43881642-G-C.
Other names: c.642G>C, p.Gln214His (NM_015284.4); short protein forms Q214H.
Identifiers: ClinVar variation 1448720 (VCV001448720.8), dbSNP rs1651674162, ClinGen allele CA340001779.
Genomic context (GRCh38, chr1:43,415,971, plus strand): 5'-GGCAGCAATGCCATCTGCCCCATTCTGTCTTTTCTGTAACTTGGGGCAGGCAGAAGACCA[G>C]TCCCCAGACTCAGGGGACCTACTGGGCCGGAAGGTAGGCGTCTCCATGGTGACAGCTGAT-3'
Protein context (NP_001352928.1, residues 204-224): QYDPQSQAED[Gln214His]SPDSGDLLGR

ClinVar aggregate classification (germline): Uncertain significance (1 of 4 stars; one submission).

Allele frequency attached by ClinVar (database versions not stated): TOPMed 0.00001.

Submission:

Labcorp Genetics (formerly Invitae), Labcorp
Classification: Uncertain significance. Last evaluated: 2022-07-12. Review status: criteria provided, single submitter. Criteria: Invitae Variant Classification Sherloc (09022015). Collection method: clinical testing. Allele origin: germline.
Comment: This variant is not present in population databases (gnomAD no frequency). This variant has not been reported in the literature in individuals affected with SZT2-related conditions. ClinVar contains an entry for this variant (Variation ID: 1448720). Algorithms developed to predict the effect of missense changes on protein structure and function output the following: SIFT: "Deleterious"; PolyPhen-2: "Benign"; Align-GVGD: "Class C0". The histidine amino acid residue is found in multiple mammalian species, which suggests that this missense change does not adversely affect protein function. In summary, the available evidence is currently insufficient to determine the role of this variant in disease. Therefore, it has been classified as a Variant of Uncertain Significance. This sequence change replaces glutamine, which is neutral and polar, with histidine, which is basic and polar, at codon 214 of the SZT2 protein (p.Gln214His).